The following is an entry in ClinVar:

NM_001853.4(COL9A3):c.1136G>C (p.Gly379Ala)

Gene: COL9A3 (collagen type IX alpha 3 chain; plus strand). Cytogenetic location: 20q13.33.
Variant type: single nucleotide variant.
Coding change: c.1136G>C on transcript NM_001853.4 (MANE Select); coding-DNA position 1136, G replaced by C.
Protein change: p.Gly379Ala; replaces glycine 379 with alanine.
Molecular consequence: missense variant.
Genome position (GRCh38, 1-based): chr20:62,829,794, G>C. VCF-style: chr20-62829794-G-C. GRCh37 (hg19) VCF-style: chr20-61461146-G-C.
Other names: short protein forms G379A.
Identifiers: ClinVar variation 3608164 (VCV003608164.2).

ClinVar aggregate classification (germline): Uncertain significance (1 of 4 stars; one submission).

Submission:

Labcorp Genetics (formerly Invitae), Labcorp
Classification: Uncertain significance. Last evaluated: 2024-11-14. Review status: criteria provided, single submitter. Criteria: Invitae Variant Classification Sherloc (09022015). Collection method: clinical testing. Allele origin: germline.
Comment: This sequence change replaces glycine, which is neutral and non-polar, with alanine, which is neutral and non-polar, at codon 379 of the COL9A3 protein (p.Gly379Ala). This variant is not present in population databases (gnomAD no frequency). This variant has not been reported in the literature in individuals affected with COL9A3-related conditions. An algorithm developed to predict the effect of missense changes on protein structure and function (PolyPhen-2) suggests that this variant is likely to be disruptive. In summary, the available evidence is currently insufficient to determine the role of this variant in disease. Therefore, it has been classified as a Variant of Uncertain Significance.